The following is an entry in ClinVar:

NM_014946.4(SPAST):c.23G>A (p.Gly8Glu)

Gene: SPAST (spastin; plus strand). Cytogenetic location: 2p22.3.
Variant type: single nucleotide variant.
Coding change: c.23G>A on transcript NM_014946.4 (MANE Select); coding-DNA position 23, G replaced by A.
Protein change: p.Gly8Glu; replaces glycine 8 with glutamic acid.
Molecular consequence: missense variant.
Genome position (GRCh38, 1-based): chr2:32,063,854, G>A. VCF-style: chr2-32063854-G-A. GRCh37 (hg19) VCF-style: chr2-32288923-G-A.
Other names: c.23G>A, p.Gly8Glu (NM_001363823.2, NM_001363875.2, NM_001377959.1 and 1 more transcripts); short protein forms G8E.
Identifiers: ClinVar variation 3004860 (VCV003004860.3), dbSNP rs1477506013, ClinGen allele CA346601209.

ClinVar aggregate classification (germline): Uncertain significance (1 of 4 stars; one submission).

Conditions:
Hereditary spastic paraplegia 4. Also called: Spastic Paraplegia 4; Familial spastic paraplegia autosomal dominant 2; Spastic paraplegia 4, autosomal dominant. Identifiers: Orphanet 100985, MedGen C1866855, MONDO:0008438, OMIM 182601.

Allele frequency attached by ClinVar (database versions not stated): gnomAD exomes below 0.00001; TOPMed 0.00001.
gnomAD v4.1: 2 of 1,583,232 alleles (0.00013%); highest among the groups gnomAD compares: Admixed American, 0.0018%; no homozygotes.

Submission:

Labcorp Genetics (formerly Invitae), Labcorp
Classification: Uncertain significance for Hereditary spastic paraplegia 4. Last evaluated: 2023-11-18. Review status: criteria provided, single submitter. Criteria: Invitae Variant Classification Sherloc (09022015). Collection method: clinical testing. Allele origin: germline.
Comment: This sequence change replaces glycine, which is neutral and non-polar, with glutamic acid, which is acidic and polar, at codon 8 of the SPAST protein (p.Gly8Glu). The frequency data for this variant in the population databases is considered unreliable, as metrics indicate poor data quality at this position in the gnomAD database. This variant has not been reported in the literature in individuals affected with SPAST-related conditions. Advanced modeling of protein sequence and biophysical properties (such as structural, functional, and spatial information, amino acid conservation, physicochemical variation, residue mobility, and thermodynamic stability) has been performed at Invitae for this missense variant, however the output from this modeling did not meet the statistical confidence thresholds required to predict the impact of this variant on SPAST protein function. In summary, the available evidence is currently insufficient to determine the role of this variant in disease. Therefore, it has been classified as a Variant of Uncertain Significance.